The following is an entry in ClinVar:

NM_015215.4(CAMTA1):c.1938G>C (p.Thr646=)

Gene: CAMTA1 (calmodulin binding transcription activator 1; plus strand). Cytogenetic location: 1p36.23.
Variant type: single nucleotide variant.
Coding change: c.1938G>C on transcript NM_015215.4 (MANE Select); coding-DNA position 1938, G replaced by C.
Protein change: p.Thr646=; no amino-acid change (threonine 646 retained).
Molecular consequence: synonymous variant.
Genome position (GRCh38, 1-based): chr1:7,664,485, G>C. VCF-style: chr1-7664485-G-C. GRCh37 (hg19) VCF-style: chr1-7724545-G-C.
Other names: c.1848G>C, p.Thr616= (NM_001349608.2, NM_001349612.2); c.1938G>C, p.Thr646= (NM_001349609.2, NM_001349610.2).
Identifiers: ClinVar variation 740219 (VCV000740219.32), dbSNP rs142993717, ClinGen allele CA566533.

ClinVar aggregate classification (germline): Likely benign. Review status: criteria provided, multiple submitters, no conflicts (2 of 4 stars). 3 submissions from 3 submitters: Likely benign (3). Last evaluated 2025-04-14.

Allele frequency attached by ClinVar (database versions not stated): TOPMed 0.00040; ESP Exome Variant Server 0.00046.
gnomAD v4.1: 97 of 1,613,190 alleles (0.006%); highest among the groups gnomAD compares: African/African-American, 0.11%; no homozygotes.

Submissions (3):

Labcorp Genetics (formerly Invitae), Labcorp
Classification: Likely benign. Last evaluated: 2025-04-14. Review status: criteria provided, single submitter. Criteria: Invitae Variant Classification Sherloc (09022015). Collection method: clinical testing. Allele origin: germline.

Blueprint Genetics
Classification: Likely benign. Last evaluated: 2024-03-05. Review status: criteria provided, single submitter. Criteria: ACMG Guidelines, 2015. Collection method: clinical testing. Allele origin: germline.

CeGaT Center for Human Genetics Tuebingen
Classification: Likely benign. Last evaluated: 2022-06-01. Review status: criteria provided, single submitter. Criteria: CeGaT Center For Human Genetics Tuebingen Variant Classification Criteria Version 2. Collection method: clinical testing. Allele origin: germline. Affected: yes. Observed: 1 variant allele.
Comment: CAMTA1: BP4, BP7